The following is an entry in ClinVar:

ClinVar aggregate classification (germline): Likely benign (1 of 4 stars; one submission).

Allele frequency attached by ClinVar (database versions not stated): gnomAD exomes below 0.00001.
gnomAD v4.1: 1 of 1,612,790 alleles (0.000062%); highest among the groups gnomAD compares: Non-Finnish European, 0.000085%; no homozygotes.

Submission:

GeneDx
Classification: Likely benign. Last evaluated: 2016-03-22. Review status: criteria provided, single submitter. Criteria: GeneDx Variant Classification (06012015). Collection method: clinical testing. Allele origin: germline. Affected: yes.
Comment: This variant is considered likely benign or benign based on one or more of the following criteria: it is a conservative change, it occurs at a poorly conserved position in the protein, it is predicted to be benign by multiple in silico algorithms, and/or has population frequency not consistent with disease.

NM_000243.3(MEFV):c.277+13A>G

Gene: MEFV (MEFV innate immunity regulator, pyrin; minus strand). Cytogenetic location: 16p13.3.
Variant type: single nucleotide variant.
Coding change: c.277+13A>G on transcript NM_000243.3 (MANE Select); 13 bases into the intron after coding-DNA position 277, A replaced by G.
Molecular consequence: intron variant.
Genome position (GRCh38, 1-based): chr16:3,256,298, T>C on the plus strand (A>G on the coding strand, the complement: MEFV is on the minus strand). VCF-style: chr16-3256298-T-C. GRCh37 (hg19) VCF-style: chr16-3306298-T-C.
Other names: c.277+13A>G (NM_001198536.2).
Identifiers: ClinVar variation 245680 (VCV000245680.1), dbSNP rs879253897, ClinGen allele CA10584529.